The following is an entry in ClinVar:

NM_199420.4(POLQ):c.3425A>C (p.Gln1142Pro)

Gene: POLQ (DNA polymerase theta; minus strand). Cytogenetic location: 3q13.33.
Variant type: single nucleotide variant.
Coding change: c.3425A>C on transcript NM_199420.4 (MANE Select); coding-DNA position 3425, A replaced by C.
Protein change: p.Gln1142Pro; replaces glutamine 1142 with proline.
Molecular consequence: missense variant.
Genome position (GRCh38, 1-based): chr3:121,489,506, T>G on the plus strand (A>C on the coding strand, the complement: POLQ is on the minus strand). VCF-style: chr3-121489506-T-G. GRCh37 (hg19) VCF-style: chr3-121208353-T-G.
Other names: short protein forms Q1142P.
Identifiers: ClinVar variation 1731301 (VCV001731301.2), dbSNP rs767282295, ClinGen allele CA2563058.

ClinVar aggregate classification (germline): Uncertain significance (1 of 4 stars; one submission).

Allele frequency attached by ClinVar (database versions not stated): ExAC 0.00001.
gnomAD v4.1: 10 of 1,613,614 alleles (0.00062%); highest among the groups gnomAD compares: Non-Finnish European, 0.00068%; no homozygotes.

Submission:

Ambry Genetics
Classification: Uncertain significance. Last evaluated: 2023-11-22. Review status: criteria provided, single submitter. Criteria: Ambry Variant Classification Scheme 2023. Collection method: clinical testing. Allele origin: germline.
Comment: The p.Q1142P variant (also known as c.3425A>C), located in coding exon 16 of the POLQ gene, results from an A to C substitution at nucleotide position 3425. The glutamine at codon 1142 is replaced by proline, an amino acid with similar properties. This amino acid position is conserved. In addition, this alteration is predicted to be tolerated by in silico analysis. Since supporting evidence is limited at this time, the clinical significance of this alteration remains unclear.